The following is an entry in ClinVar:

NM_000361.3(THBD):c.1095C>G (p.Pro365=)

Gene: THBD (thrombomodulin; minus strand). Cytogenetic location: 20p11.21.
Variant type: single nucleotide variant.
Coding change: c.1095C>G on transcript NM_000361.3 (MANE Select); coding-DNA position 1095, C replaced by G.
Protein change: p.Pro365=; no amino-acid change (proline 365 retained).
Molecular consequence: synonymous variant.
Genome position (GRCh38, 1-based): chr20:23,048,410, G>C on the plus strand (C>G on the coding strand, the complement: THBD is on the minus strand). VCF-style: chr20-23048410-G-C. GRCh37 (hg19) VCF-style: chr20-23029047-G-C.
Identifiers: ClinVar variation 3694146 (VCV003694146.2).

ClinVar aggregate classification (germline): Uncertain significance (1 of 4 stars; one submission).

Submission:

Labcorp Genetics (formerly Invitae), Labcorp
Classification: Uncertain significance. Last evaluated: 2025-01-07. Review status: criteria provided, single submitter. Criteria: Invitae Variant Classification Sherloc (09022015). Collection method: clinical testing. Allele origin: germline.
Comment: This sequence change affects codon 365 of the THBD mRNA. It is a 'silent' change, meaning that it does not change the encoded amino acid sequence of the THBD protein. This variant is not present in population databases (gnomAD no frequency). This variant has not been reported in the literature in individuals affected with THBD-related conditions. In summary, the available evidence is currently insufficient to determine the role of this variant in disease. Therefore, it has been classified as a Variant of Uncertain Significance.